The following is an entry in ClinVar:

ClinVar aggregate classification (germline): Pathogenic (1 of 4 stars; one submission).

Conditions:
Familial thoracic aortic aneurysm and aortic dissection (TAAD). Also called: Thoracic aortic aneurysms and dissections. Identifiers: Orphanet 91387, MedGen C4707243, MONDO:0019625.

Submission:

Labcorp Genetics (formerly Invitae), Labcorp
Classification: Pathogenic for Familial thoracic aortic aneurysm and aortic dissection. Last evaluated: 2023-10-27. Review status: criteria provided, single submitter. Criteria: Invitae Variant Classification Sherloc (09022015). Collection method: clinical testing. Allele origin: germline.
Comment: This sequence change creates a premature translational stop signal (p.Cys320Trpfs*19) in the SMAD3 gene. It is expected to result in an absent or disrupted protein product. Loss-of-function variants in SMAD3 are known to be pathogenic (PMID: 21778426, 24804794). Information on the frequency of this variant in the gnomAD database is not available, as this variant may be reported differently in the database. This premature translational stop signal has been observed in individual(s) with aortic aneurysm (Invitae). For these reasons, this variant has been classified as Pathogenic.

Literature cited by the submitters: PubMed 21778426; PubMed 24804794.

NM_005902.4(SMAD3):c.960_972delinsGACACC (p.Cys320fs)

Gene: SMAD3 (SMAD family member 3; plus strand). Cytogenetic location: 15q22.33.
Variant type: Indel.
Coding change: c.960_972delinsGACACC on transcript NM_005902.4 (MANE Select); coding-DNA positions 960 to 972, TAACCAGCGCTAT replaced by GACACC.
Protein change: p.Cys320fs; shifts the reading frame from cysteine 320.
Molecular consequence: frameshift variant.
Genome position (GRCh38, 1-based): chr15:67,184,815-67,184,827, TAACCAGCGCTAT replaced by GACACC. VCF-style: chr15-67184815-TAACCAGCGCTAT-GACACC. GRCh37 (hg19) VCF-style: chr15-67477153-TAACCAGCGCTAT-GACACC.
Other names: c.645_657delinsGACACC, p.Cys215fs (NM_001145102.2); c.828_840delinsGACACC, p.Cys276fs (NM_001145103.2); c.375_387delinsGACACC, p.Cys125fs (NM_001145104.2); short protein forms C215fs, C320fs, C276fs, C125fs.
Identifiers: ClinVar variation 567283 (VCV000567283.7), dbSNP rs1567002059, ClinGen allele CA891843529.
Genomic context (GRCh38, chr15:67,184,815, plus strand): 5'-AGGGGAGGTCTTCGCAGAGTGCCTCAGTGACAGCGCTATTTTTGTCCAGTCTCCCAACTG[TAACCAGCGCTAT>GACACC]GGCTGGCACCCGGCCACCGTCTGCAAGATCCCACCAGGTAAACGAGCCGCACAGGCACCC-3'